The following is an entry in ClinVar:

ClinVar aggregate classification (germline): Uncertain significance (1 of 4 stars; one submission).

Conditions:
Mucopolysaccharidosis, MPS-III-D (MPS3D). Also called: N-ACETYLGLUCOSAMINE-6-SULFATASE DEFICIENCY; SANFILIPPO SYNDROME D; MPS III D; Mucopoly-saccharidosis type 3D; N-acetylglucosamine-6-sulfate sulfatase deficiency; MPS 3D. Identifiers: Orphanet 581, Orphanet 79272, MedGen C0086650, MONDO:0009658, OMIM 252940.

Allele frequency attached by ClinVar (database versions not stated): TOPMed 0.00001; gnomAD 0.00001.
gnomAD v4.1: 1 of 1,607,230 alleles (0.000062%); highest among the groups gnomAD compares: African/African-American, 0.0013%; no homozygotes.

Submission:

Labcorp Genetics (formerly Invitae), Labcorp
Classification: Uncertain significance for Mucopolysaccharidosis, MPS-III-D. Last evaluated: 2022-06-28. Review status: criteria provided, single submitter. Criteria: Invitae Variant Classification Sherloc (09022015). Collection method: clinical testing. Allele origin: germline.
Comment: This sequence change replaces serine, which is neutral and polar, with asparagine, which is neutral and polar, at codon 120 of the GNS protein (p.Ser120Asn). This variant is not present in population databases (gnomAD no frequency). This variant has not been reported in the literature in individuals affected with GNS-related conditions. Algorithms developed to predict the effect of missense changes on protein structure and function are either unavailable or do not agree on the potential impact of this missense change (SIFT: "Tolerated"; PolyPhen-2: "Possibly Damaging"; Align-GVGD: "Class C0"). In summary, the available evidence is currently insufficient to determine the role of this variant in disease. Therefore, it has been classified as a Variant of Uncertain Significance.

NM_002076.4(GNS):c.359G>A (p.Ser120Asn)

Gene: GNS (glucosamine (N-acetyl)-6-sulfatase; minus strand). Cytogenetic location: 12q14.3.
Variant type: single nucleotide variant.
Coding change: c.359G>A on transcript NM_002076.4 (MANE Select); coding-DNA position 359, G replaced by A.
Protein change: p.Ser120Asn; replaces serine 120 with asparagine.
Molecular consequence: missense variant.
Genome position (GRCh38, 1-based): chr12:64,747,812, C>T on the plus strand (G>A on the coding strand, the complement: GNS is on the minus strand). VCF-style: chr12-64747812-C-T. GRCh37 (hg19) VCF-style: chr12-65141592-C-T.
Other names: short protein forms S120N.
Identifiers: ClinVar variation 1956671 (VCV001956671.2), dbSNP rs1169948900, ClinGen allele CA385611020.